The following is an entry in ClinVar:

ClinVar aggregate classification (germline): Uncertain significance (1 of 4 stars; one submission).

Conditions:
Multiple endocrine neoplasia, type 2 (MEN2). Identifiers: Orphanet 653, MedGen C4048306, MONDO:0019003. Disease mechanism: gain of function.

Submission:

Labcorp Genetics (formerly Invitae), Labcorp
Classification: Uncertain significance for Multiple endocrine neoplasia, type 2. Last evaluated: 2025-02-11. Review status: criteria provided, single submitter. Criteria: Invitae Variant Classification Sherloc (09022015). Collection method: clinical testing. Allele origin: germline.
Comment: This variant, c.43_48dup, results in the insertion of 2 amino acid(s) of the RET protein (p.Leu18_Leu19dup), but otherwise preserves the integrity of the reading frame. This variant is not present in population databases (gnomAD no frequency). This variant has not been reported in the literature in individuals affected with RET-related conditions. ClinVar contains an entry for this variant (Variation ID: 3022887). In summary, the available evidence is currently insufficient to determine the role of this variant in disease. Therefore, it has been classified as a Variant of Uncertain Significance.

NM_020975.6(RET):c.43_48dup (p.Leu19_Pro20insLeuLeu)

Gene: RET (ret proto-oncogene; plus strand). Cytogenetic location: 10q11.21.
Variant type: Duplication.
Coding change: c.43_48dup on transcript NM_020975.6 (MANE Select); coding-DNA positions 43 to 48, 6 bases duplicated (TTGCTG; older notation c.43_48dupTTGCTG).
Protein change: p.Leu19_Pro20insLeuLeu.
Molecular consequence: inframe insertion. On other transcripts: inframe indel (2).
Genome position (GRCh38, 1-based): chr10:43,077,301-43,077,306, TTGCTG duplicated; duplicating any 6 consecutive bases within chr10:43,077,296-43,077,306 gives the same sequence; the c. name uses the placement nearest the transcript's 3' end. VCF-style (leftmost placement, unchanged base first): chr10-43077295-C-CTGCTGT. GRCh37 (hg19) VCF-style: chr10-43572743-C-CTGCTGT.
Other names: c.43_48dup, p.Leu19_Pro20insLeuLeu (NM_000323.2, NM_001406743.1, NM_001406744.1 and 38 more transcripts).
Identifiers: ClinVar variation 3022887 (VCV003022887.3), dbSNP rs2491934891, ClinGen allele CA2740092977.